The following is an entry in ClinVar:

ClinVar aggregate classification (germline): Uncertain significance (1 of 4 stars; one submission).

Conditions:
Developmental and epileptic encephalopathy, 23 (DEE23). Also called: Epileptic encephalopathy, early infantile, 23. Identifiers: Orphanet 411986, MedGen C4014492, MONDO:0014371, OMIM 615859.

Allele frequency attached by ClinVar (database versions not stated): gnomAD 0.00001; TOPMed 0.00001.
gnomAD v4.1: 2 of 1,613,914 alleles (0.00012%); highest among the groups gnomAD compares: African/African-American, 0.0027%; no homozygotes.

Submission:

Labcorp Genetics (formerly Invitae), Labcorp
Classification: Uncertain significance for Developmental and epileptic encephalopathy, 23. Last evaluated: 2022-03-19. Review status: criteria provided, single submitter. Criteria: Invitae Variant Classification Sherloc (09022015). Collection method: clinical testing. Allele origin: germline.
Comment: This sequence change replaces leucine, which is neutral and non-polar, with valine, which is neutral and non-polar, at codon 1141 of the DOCK7 protein (p.Leu1141Val). This variant is not present in population databases (gnomAD no frequency). This variant has not been reported in the literature in individuals affected with DOCK7-related conditions. ClinVar contains an entry for this variant (Variation ID: 1054500). Algorithms developed to predict the effect of missense changes on protein structure and function are either unavailable or do not agree on the potential impact of this missense change (SIFT: "Tolerated"; PolyPhen-2: "Possibly Damaging"; Align-GVGD: "Class C0"). In summary, the available evidence is currently insufficient to determine the role of this variant in disease. Therefore, it has been classified as a Variant of Uncertain Significance.

NM_001367561.1(DOCK7):c.3421C>G (p.Leu1141Val)

Gene: DOCK7 (dedicator of cytokinesis 7; minus strand). Cytogenetic location: 1p31.3.
Variant type: single nucleotide variant.
Coding change: c.3421C>G on transcript NM_001367561.1 (MANE Select); coding-DNA position 3421, C replaced by G.
Protein change: p.Leu1141Val; replaces leucine 1141 with valine.
Molecular consequence: missense variant.
Genome position (GRCh38, 1-based): chr1:62,537,941, G>C on the plus strand (C>G on the coding strand, the complement: DOCK7 is on the minus strand). VCF-style: chr1-62537941-G-C. GRCh37 (hg19) VCF-style: chr1-63003612-G-C.
Other names: c.3421C>G, p.Leu1141Val (NM_001271999.2, NM_001330614.2); c.3328C>G, p.Leu1110Val (NM_001272000.2, NM_001272001.2, NM_033407.4); short protein forms L1110V, L1141V.
Identifiers: ClinVar variation 1054500 (VCV001054500.6), dbSNP rs1047364369, ClinGen allele CA23740790.